The following is an entry in ClinVar:

ClinVar aggregate classification (germline): Pathogenic. Review status: criteria provided, multiple submitters, no conflicts (2 of 4 stars). 3 submissions from 3 submitters: Pathogenic (2). 1 of the submissions does not count toward it. Last evaluated 2023-02-16.

Conditions:
Neurofibromatosis, type 1 (NF1). Also called: Neurofibromatosis, type I; NEUROFIBROMATOSIS, TYPE I, SOMATIC; Peripheral type neurofibromatosis; VON RECKLINGHAUSEN DISEASE. Identifiers: Orphanet 636, MedGen C0027831, MONDO:0018975, OMIM 162200. Disease mechanism: loss of function.

Submissions (3):

Labcorp Genetics (formerly Invitae), Labcorp
Classification: Pathogenic for Neurofibromatosis, type 1. Last evaluated: 2023-02-16. Review status: criteria provided, single submitter. Criteria: Invitae Variant Classification Sherloc (09022015). Collection method: clinical testing. Allele origin: germline.
Comment: For these reasons, this variant has been classified as Pathogenic. ClinVar contains an entry for this variant (Variation ID: 431664). This premature translational stop signal has been observed in individual(s) with clinical features of neurofibromatosis type 1 (PMID: 26056819). This variant is not present in population databases (gnomAD no frequency). This sequence change creates a premature translational stop signal (p.Leu1906Trpfs*15) in the NF1 gene. It is expected to result in an absent or disrupted protein product. Loss-of-function variants in NF1 are known to be pathogenic (PMID: 10712197, 23913538).

ARUP Laboratories, Molecular Genetics and Genomics, ARUP Laboratories
Classification: Pathogenic. Last evaluated: 2017-01-11. Review status: criteria provided, single submitter. Criteria: ARUP Molecular Germline Variant Investigation Process. Collection method: clinical testing. Allele origin: germline.

Medical Genetics, University of Parma
Classification: Likely pathogenic for Neurofibromatosis type 1. Last evaluated: 2017-02-02. Review status: no assertion criteria provided. Collection method: clinical testing. Allele origin: germline. Affected: yes. Not counted in ClinVar's aggregate classification.

Literature cited by the submitters: PubMed 26056819 (cited by Labcorp Genetics (formerly Invitae), Labcorp); PubMed 10712197 (cited by Labcorp Genetics (formerly Invitae), Labcorp); PubMed 23913538 (cited by Labcorp Genetics (formerly Invitae), Labcorp).

NM_001042492.3(NF1):c.5780del (p.Leu1927fs)

Gene: NF1 (neurofibromin 1; plus strand). Cytogenetic location: 17q11.2.
Variant type: Deletion.
Coding change: c.5780del on transcript NM_001042492.3 (MANE Select); coding-DNA position 5780, one base deleted (T; older notation c.5780delT).
Protein change: p.Leu1927fs; shifts the reading frame from leucine 1927.
Molecular consequence: frameshift variant.
Genome position (GRCh38, 1-based): chr17:31,330,466, T deleted; the last of 5 consecutive T bases (chr17:31,330,462-31,330,466); deleting any one gives the same sequence. VCF-style (leftmost placement, unchanged base first): chr17-31330461-AT-A. GRCh37 (hg19) VCF-style: chr17-29657479-AT-A.
Other names: c.5717delT (NM_000267.3); c.5717delT, p.Leu1906Trpfs (NM_000267.4); c.5780delT, p.Leu1927Trpfs (NM_001042492.2); short protein forms L1906fs, L1927fs.
Identifiers: ClinVar variation 431664 (VCV000431664.11), dbSNP rs1135402880, ClinGen allele CA645373101.